The following is an entry in ClinVar:

NM_024312.5(GNPTAB):c.2984T>C (p.Phe995Ser)

Gene: GNPTAB (N-acetylglucosamine-1-phosphate transferase subunits alpha and beta; minus strand). Cytogenetic location: 12q23.2.
Variant type: single nucleotide variant.
Coding change: c.2984T>C on transcript NM_024312.5 (MANE Select); coding-DNA position 2984, T replaced by C.
Protein change: p.Phe995Ser; replaces phenylalanine 995 with serine.
Molecular consequence: missense variant.
Genome position (GRCh38, 1-based): chr12:101,761,278, A>G on the plus strand (T>C on the coding strand, the complement: GNPTAB is on the minus strand). VCF-style: chr12-101761278-A-G. GRCh37 (hg19) VCF-style: chr12-102155056-A-G.
Other names: short protein forms F995S.
Identifiers: ClinVar variation 1046495 (VCV001046495.8), dbSNP rs1952988897, ClinGen allele CA386295901.

ClinVar aggregate classification (germline): Uncertain significance (1 of 4 stars; one submission).

Conditions:
Mucolipidosis type II. Also called: Mucolipidosis 2; ML 2; Inclusion cell disease; Leroy Disease; N-acetylglucosamine 1phosphotransferase deficiency; ML disorder type 2. Identifiers: Orphanet 576, MedGen C2673377, MONDO:0009650, OMIM 252500.
Pseudo-Hurler polydystrophy. Also called: ML IIIA; Mucolipidosis III Alpha/Beta; MUCOLIPIDOSIS IIIA; ML III; ML III ALPHA/BETA; Type III Mucolipidosis. Identifiers: Orphanet 423461, Orphanet 577, MedGen C0033788, MONDO:0018931, OMIM 252600.

Submission:

Labcorp Genetics (formerly Invitae), Labcorp
Classification: Uncertain significance for Pseudo-Hurler polydystrophy; Mucolipidosis type II. Last evaluated: 2022-07-19. Review status: criteria provided, single submitter. Criteria: Invitae Variant Classification Sherloc (09022015). Collection method: clinical testing. Allele origin: germline.
Comment: Advanced modeling of protein sequence and biophysical properties (such as structural, functional, and spatial information, amino acid conservation, physicochemical variation, residue mobility, and thermodynamic stability) performed at Invitae indicates that this missense variant is expected to disrupt GNPTAB protein function. ClinVar contains an entry for this variant (Variation ID: 1046495). This variant has not been reported in the literature in individuals affected with GNPTAB-related conditions. This variant is not present in population databases (gnomAD no frequency). This sequence change replaces phenylalanine, which is neutral and non-polar, with serine, which is neutral and polar, at codon 995 of the GNPTAB protein (p.Phe995Ser). In summary, the available evidence is currently insufficient to determine the role of this variant in disease. Therefore, it has been classified as a Variant of Uncertain Significance.